The following is an entry in ClinVar:

NM_022095.4(ZNF335):c.2755A>G (p.Lys919Glu)

Gene: ZNF335 (zinc finger protein 335; minus strand). Cytogenetic location: 20q13.12.
Variant type: single nucleotide variant.
Coding change: c.2755A>G on transcript NM_022095.4 (MANE Select); coding-DNA position 2755, A replaced by G.
Protein change: p.Lys919Glu; replaces lysine 919 with glutamic acid.
Molecular consequence: missense variant.
Genome position (GRCh38, 1-based): chr20:45,952,657, T>C on the plus strand (A>G on the coding strand, the complement: ZNF335 is on the minus strand). VCF-style: chr20-45952657-T-C. GRCh37 (hg19) VCF-style: chr20-44581296-T-C.
Other names: c.2755A>G (NM_022095.3); short protein forms K919E.
Identifiers: ClinVar variation 1441398 (VCV001441398.9), dbSNP rs750610155, ClinGen allele CA9885260.

ClinVar aggregate classification (germline): Uncertain significance. Review status: criteria provided, multiple submitters, no conflicts (2 of 4 stars). 2 submissions from 2 submitters: Uncertain significance (2). Last evaluated 2025-02-11.

Conditions:
Inborn genetic diseases. Identifiers: MedGen C0950123, MeSH D030342.

Allele frequency attached by ClinVar (database versions not stated): ExAC 0.00001; gnomAD 0.00001; gnomAD exomes 0.00002 and 0.00003; TOPMed 0.00003.
gnomAD v4.1: 41 of 1,613,690 alleles (0.0025%); highest among the groups gnomAD compares: Non-Finnish European, 0.0035%; no homozygotes.

Submissions (2):

Ambry Genetics
Classification: Uncertain significance for Inborn genetic diseases. Last evaluated: 2025-02-11. Review status: criteria provided, single submitter. Criteria: Ambry Variant Classification Scheme 2023. Collection method: clinical testing. Allele origin: germline.

Labcorp Genetics (formerly Invitae), Labcorp
Classification: Uncertain significance. Last evaluated: 2021-12-02. Review status: criteria provided, single submitter. Criteria: Invitae Variant Classification Sherloc (09022015). Collection method: clinical testing. Allele origin: germline.
Comment: In summary, the available evidence is currently insufficient to determine the role of this variant in disease. Therefore, it has been classified as a Variant of Uncertain Significance. Algorithms developed to predict the effect of missense changes on protein structure and function are either unavailable or do not agree on the potential impact of this missense change (SIFT: "Deleterious"; PolyPhen-2: "Benign"; Align-GVGD: "Class C0"). This variant has not been reported in the literature in individuals affected with ZNF335-related conditions. This variant is present in population databases (rs750610155, gnomAD 0.004%). This sequence change replaces lysine, which is basic and polar, with glutamic acid, which is acidic and polar, at codon 919 of the ZNF335 protein (p.Lys919Glu).